The following is an entry in ClinVar:

ClinVar aggregate classification (germline): Likely benign. Review status: criteria provided, multiple submitters, no conflicts (2 of 4 stars). 2 submissions from 2 submitters: Likely benign (2). Last evaluated 2025-02-01.

Conditions:
3-methylglutaconic aciduria with deafness, encephalopathy, and Leigh-like syndrome (MEGDEL). Also called: SERAC1 Deficiency; MEGDEL syndrome; 3-METHYLGLUTACONIC ACIDURIA, TYPE VI. Identifiers: Orphanet 352328, MedGen C4040739, MONDO:0013875, OMIM 614739.

gnomAD v4.1: 6 of 1,613,512 alleles (0.00037%); highest among the groups gnomAD compares: South Asian, 0.0044%; no homozygotes.

Submissions (2):

CeGaT Center for Human Genetics Tuebingen
Classification: Likely benign. Last evaluated: 2025-02-01. Review status: criteria provided, single submitter. Criteria: CeGaT Center For Human Genetics Tuebingen Variant Classification Criteria Version 2. Collection method: clinical testing. Allele origin: germline. Affected: yes. Observed: 1 variant allele.
Comment: SERAC1: BP4, BP7

Labcorp Genetics (formerly Invitae), Labcorp
Classification: Likely benign for 3-methylglutaconic aciduria with deafness, encephalopathy, and Leigh-like syndrome. Last evaluated: 2024-08-16. Review status: criteria provided, single submitter. Criteria: Invitae Variant Classification Sherloc (09022015). Collection method: clinical testing. Allele origin: germline.

NM_032861.4(SERAC1):c.1290T>C (p.Tyr430=)

Gene: SERAC1 (serine active site containing 1; minus strand). Cytogenetic location: 6q25.3.
Variant type: single nucleotide variant.
Coding change: c.1290T>C on transcript NM_032861.4 (MANE Select); coding-DNA position 1290, T replaced by C.
Protein change: p.Tyr430=; no amino-acid change (tyrosine 430 retained).
Molecular consequence: synonymous variant. On other transcripts: non-coding transcript variant (1).
Genome position (GRCh38, 1-based): chr6:158,119,047, A>G on the plus strand (T>C on the coding strand, the complement: SERAC1 is on the minus strand). VCF-style: chr6-158119047-A-G. GRCh37 (hg19) VCF-style: chr6-158540079-A-G.
Identifiers: ClinVar variation 3711913 (VCV003711913.15).